The following is an entry in ClinVar:

NM_031272.5(TEX14):c.2218A>G (p.Ile740Val)

Gene: TEX14 (testis expressed 14, intercellular bridge forming factor; minus strand). Cytogenetic location: 17q22.
Variant type: single nucleotide variant.
Coding change: c.2218A>G on transcript NM_031272.5 (MANE Select); coding-DNA position 2218, A replaced by G.
Protein change: p.Ile740Val; replaces isoleucine 740 with valine.
Molecular consequence: missense variant.
Genome position (GRCh38, 1-based): chr17:58,599,127, T>C on the plus strand (A>G on the coding strand, the complement: TEX14 is on the minus strand). VCF-style: chr17-58599127-T-C. GRCh37 (hg19) VCF-style: chr17-56676488-T-C.
Other names: c.2236A>G, p.Ile746Val (NM_001201457.2); c.2218A>G, p.Ile740Val (NM_198393.4); short protein forms I740V, I746V.
Identifiers: ClinVar variation 3038862 (VCV003038862.2), dbSNP rs150454554, ClinGen allele CA8676203.

ClinVar aggregate classification (germline): Likely benign (0 of 4 stars; one submission).

Conditions:
TEX14-related disorder. Also called: TEX14-related condition.

Allele frequency attached by ClinVar (database versions not stated): gnomAD exomes 0.00017; ExAC 0.00049; ESP Exome Variant Server 0.00115; TOPMed 0.00163; gnomAD 0.00174; 1000 Genomes Project 0.00180; 1000 Genomes Project 30x 0.00203.
gnomAD v4.1: 521 of 1,614,168 alleles (0.032%); highest among the groups gnomAD compares: African/African-American, 0.58%; 1 homozygote.

Submission:

PreventionGenetics, part of Exact Sciences
Classification: Likely benign for TEX14-related condition. Last evaluated: 2019-07-16. Review status: no assertion criteria provided. Collection method: clinical testing. Allele origin: germline.
Comment: This variant is classified as likely benign based on ACMG/AMP sequence variant interpretation guidelines (Richards et al. 2015 PMID: 25741868, with internal and published modifications).